The following is an entry in ClinVar:

NM_001386298.1(CIC):c.6401G>A (p.Gly2134Glu)

Gene: CIC (capicua transcriptional repressor; plus strand). Cytogenetic location: 19q13.2.
Variant type: single nucleotide variant.
Coding change: c.6401G>A on transcript NM_001386298.1 (MANE Select); coding-DNA position 6401, G replaced by A.
Protein change: p.Gly2134Glu; replaces glycine 2134 with glutamic acid.
Molecular consequence: missense variant.
Genome position (GRCh38, 1-based): chr19:42,293,160, G>A. VCF-style: chr19-42293160-G-A. GRCh37 (hg19) VCF-style: chr19-42797312-G-A.
Other names: c.6401G>A, p.Gly2134Glu (NM_001304815.2, NM_001379482.1); c.6398G>A, p.Gly2133Glu (NM_001379480.1); c.3674G>A, p.Gly1225Glu (NM_001379484.1, NM_001379485.1, NM_015125.5); short protein forms G1225E, G2134E, G2133E.
Identifiers: ClinVar variation 930273 (VCV000930273.4), dbSNP rs2038269827, ClinGen allele CA406117920.
Genomic context (GRCh38, chr19:42,293,160, plus strand): 5'-GGCAGCCTCTGGAGCCTGGCCCAGTCCGAGAGCCAACTGCCCCAGAGTCTGAGCTTGAGG[G>A]GCAGCCCACACCACCAGCCCCTCCACCCCTGCCAGAGACCTGGACTCCCACGGCCCGGAG-3'
Protein context (NP_001373227.1, residues 2124-2144): EPTAPESELE[Gly2134Glu]QPTPPAPPPL

ClinVar aggregate classification (germline): Uncertain significance. Review status: criteria provided, multiple submitters, no conflicts (2 of 4 stars). 2 submissions from 2 submitters: Uncertain significance (2). Last evaluated 2025-08-08.

Conditions:
Intellectual developmental disorder, autosomal dominant 45. Also called: MENTAL RETARDATION, AUTOSOMAL DOMINANT 45; Intellectual disability, autosomal dominant 45. Identifiers: MedGen C4539848, MONDO:0030910, OMIM 617600.
Inborn genetic diseases. Identifiers: MedGen C0950123, MeSH D030342.

Submissions (2):

Ambry Genetics
Classification: Uncertain significance for Inborn genetic diseases. Last evaluated: 2025-08-08. Review status: criteria provided, single submitter. Criteria: Ambry Variant Classification Scheme 2023. Collection method: clinical testing. Allele origin: germline.

Centre for Mendelian Genomics, University Medical Centre Ljubljana
Classification: Uncertain significance for Intellectual developmental disorder, autosomal dominant 45. Last evaluated: 2018-12-06. Review status: criteria provided, single submitter. Criteria: ACMG Guidelines, 2015. Collection method: clinical testing. Allele origin: unknown. Affected: yes.
Comment: This variant was classified as: Uncertain significance. The available evidence on this variant's pathogenicity is insufficient or conflicting. The following ACMG criteria were applied in classifying this variant: PM2,PP3.